The following is an entry in ClinVar:

ClinVar aggregate classification (germline): Conflicting classifications of pathogenicity. Review status: criteria provided, conflicting classifications (1 of 4 stars). 2 submissions from 2 submitters: Likely pathogenic (1); Uncertain significance (1). Last evaluated 2025-03-17.

Conditions:
Chédiak-Higashi syndrome (CHS). Also called: Chediak-Higashi Syndrome. Identifiers: Orphanet 167, MedGen C0007965, MONDO:0008963, OMIM 214500.
Autoinflammatory syndrome. Identifiers: Orphanet 93665, MedGen C3890737, MONDO:0019751.

Allele frequency attached by ClinVar (database versions not stated): TOPMed below 0.00001; gnomAD 0.00001; ExAC 0.00002; gnomAD exomes 0.00002.
gnomAD v4.1: 24 of 1,610,024 alleles (0.0015%); highest among the groups gnomAD compares: Non-Finnish European, 0.002%; no homozygotes.

Submissions (2):

Labcorp Genetics (formerly Invitae), Labcorp
Classification: Uncertain significance for Chédiak-Higashi syndrome. Last evaluated: 2025-03-17. Review status: criteria provided, single submitter. Criteria: Invitae Variant Classification Sherloc (09022015). Collection method: clinical testing. Allele origin: germline.
Comment: This sequence change falls in intron 19 of the LYST gene. It does not directly change the encoded amino acid sequence of the LYST protein. It affects a nucleotide within the consensus splice site. This variant is present in population databases (rs763156837, gnomAD 0.003%). This variant has not been reported in the literature in individuals affected with LYST-related conditions. ClinVar contains an entry for this variant (Variation ID: 945609). Variants that disrupt the consensus splice site are a relatively common cause of aberrant splicing (PMID: 17576681, 9536098). In summary, the available evidence is currently insufficient to determine the role of this variant in disease. Therefore, it has been classified as a Variant of Uncertain Significance.

Genome Diagnostics Laboratory, The Hospital for Sick Children
Classification: Likely pathogenic for Autoinflammatory syndrome. Last evaluated: 2016-12-12. Review status: criteria provided, single submitter. Criteria: ACMG Guidelines, 2015. Collection method: clinical testing. Allele origin: germline. Affected: yes.

Literature cited by the submitters: PubMed 17576681 (cited by Labcorp Genetics (formerly Invitae), Labcorp); PubMed 9536098 (cited by Labcorp Genetics (formerly Invitae), Labcorp).

NM_000081.4(LYST):c.5784+2C>T

Gene: LYST (lysosomal trafficking regulator; minus strand). Cytogenetic location: 1q42.3.
Variant type: single nucleotide variant.
Coding change: c.5784+2C>T on transcript NM_000081.4 (MANE Select); the canonical splice donor site of the intron after coding-DNA position 5784, C replaced by T.
Molecular consequence: splice donor variant.
Genome position (GRCh38, 1-based): chr1:235,773,840, G>A on the plus strand (C>T on the coding strand, the complement: LYST is on the minus strand). VCF-style: chr1-235773840-G-A. GRCh37 (hg19) VCF-style: chr1-235937140-G-A.
Other names: c.5784+2C>T (NM_001301365.1).
Identifiers: ClinVar variation 945609 (VCV000945609.9), dbSNP rs763156837, ClinGen allele CA1466539.
Genomic context (GRCh38, chr1:235,773,840, plus strand): 5'-AAATTTTGTGTTATATGCATTTTACCACAATAAAAAATGGAAAAAAAGTACATATTACAT[G>A]CCTCTGCTTTACTCCATATCTTCCAGTCAAGCAATAGTTCCTCTAACAGCTTAACATCTT-3'